The following is an entry in ClinVar:

NM_001083116.3(PRF1):c.15G>A (p.Leu5=)

Gene: PRF1 (perforin 1; minus strand). Cytogenetic location: 10q22.1.
Variant type: single nucleotide variant.
Coding change: c.15G>A on transcript NM_001083116.3 (MANE Select); coding-DNA position 15, G replaced by A.
Protein change: p.Leu5=; no amino-acid change (leucine 5 retained).
Molecular consequence: synonymous variant.
Genome position (GRCh38, 1-based): chr10:70,600,888, C>T on the plus strand (G>A on the coding strand, the complement: PRF1 is on the minus strand). VCF-style: chr10-70600888-C-T. GRCh37 (hg19) VCF-style: chr10-72360644-C-T.
Other names: p.Leu5=; c.15G>A, p.Leu5= (NM_005041.6).
Identifiers: ClinVar variation 1078450 (VCV001078450.11), dbSNP rs752644970, ClinGen allele CA5539149.

ClinVar aggregate classification (germline): Likely benign. Review status: criteria provided, multiple submitters, no conflicts (2 of 4 stars). 3 submissions from 3 submitters: Likely benign (3). Last evaluated 2026-01-24.

Conditions:
Familial hemophagocytic lymphohistiocytosis 2 (FHL2). Also called: PRF1-Related Familial Hemophagocytic Lymphohistiocytosis (PRF1-fHLH). Identifiers: Orphanet 540, MedGen C1863727, MONDO:0011337, OMIM 603553.

Allele frequency attached by ClinVar (database versions not stated): gnomAD exomes 0.00001; gnomAD 0.00006; TOPMed 0.00006; ExAC 0.00008.

Submissions (3):

Labcorp Genetics (formerly Invitae), Labcorp
Classification: Likely benign for Familial hemophagocytic lymphohistiocytosis 2. Last evaluated: 2026-01-24. Review status: criteria provided, single submitter. Criteria: Invitae Variant Classification Sherloc (09022015). Collection method: clinical testing. Allele origin: germline.

Mayo Clinic Laboratories, Mayo Clinic
Classification: Likely benign. Last evaluated: 2024-12-30. Review status: criteria provided, single submitter. Criteria: ACMG Guidelines, 2015. Collection method: clinical testing. Allele origin: germline. Observed: 1 variant allele.
Comment: BP4, BP7

Blueprint Genetics
Classification: Likely benign. Last evaluated: 2024-03-13. Review status: criteria provided, single submitter. Criteria: ACMG Guidelines, 2015. Collection method: clinical testing. Allele origin: germline.